The following is an entry in ClinVar:

ClinVar aggregate classification (germline): Uncertain significance. Review status: criteria provided, multiple submitters, no conflicts (2 of 4 stars). 2 submissions from 2 submitters: Uncertain significance (2). Last evaluated 2025-08-30.

Conditions:
Immunodeficiency due to CD25 deficiency. Also called: IMMUNODEFICIENCY 41 WITH LYMPHOPROLIFERATION AND AUTOIMMUNITY; CD25 DEFICIENCY; IL2RA DEFICIENCY. Identifiers: Orphanet 169100, MedGen C1853392, MONDO:0011664, OMIM 606367.

Allele frequency attached by ClinVar (database versions not stated): ExAC 0.00001; gnomAD 0.00004 and 0.00005; TOPMed 0.00005; ESP Exome Variant Server 0.00008.

Submissions (2):

Ambry Genetics
Classification: Uncertain significance. Last evaluated: 2025-08-30. Review status: criteria provided, single submitter. Criteria: Ambry Variant Classification Scheme 2023. Collection method: clinical testing. Allele origin: germline.

Labcorp Genetics (formerly Invitae), Labcorp
Classification: Uncertain significance for Immunodeficiency due to CD25 deficiency. Last evaluated: 2024-10-17. Review status: criteria provided, single submitter. Criteria: Invitae Variant Classification Sherloc (09022015). Collection method: clinical testing. Allele origin: germline.
Comment: This sequence change replaces methionine, which is neutral and non-polar, with leucine, which is neutral and non-polar, at codon 147 of the IL2RA protein (p.Met147Leu). This variant is present in population databases (rs147975326, gnomAD 0.03%). This variant has not been reported in the literature in individuals affected with IL2RA-related conditions. ClinVar contains an entry for this variant (Variation ID: 465829). Invitae Evidence Modeling of protein sequence and biophysical properties (such as structural, functional, and spatial information, amino acid conservation, physicochemical variation, residue mobility, and thermodynamic stability) indicates that this missense variant is not expected to disrupt IL2RA protein function with a negative predictive value of 80%. In summary, the available evidence is currently insufficient to determine the role of this variant in disease. Therefore, it has been classified as a Variant of Uncertain Significance.

NM_000417.3(IL2RA):c.439A>T (p.Met147Leu)

Gene: IL2RA (interleukin 2 receptor subunit alpha; minus strand). Cytogenetic location: 10p15.1.
Variant type: single nucleotide variant.
Coding change: c.439A>T on transcript NM_000417.3 (MANE Select); coding-DNA position 439, A replaced by T.
Protein change: p.Met147Leu; replaces methionine 147 with leucine.
Molecular consequence: missense variant. On other transcripts: intron variant (2).
Genome position (GRCh38, 1-based): chr10:6,021,622, T>A on the plus strand (A>T on the coding strand, the complement: IL2RA is on the minus strand). VCF-style: chr10-6021622-T-A. GRCh37 (hg19) VCF-style: chr10-6063585-T-A.
Other names: c.368-2123A>T (NM_001308243.2); c.368-1681A>T (NM_001308242.2); short protein forms M147L.
Identifiers: ClinVar variation 465829 (VCV000465829.11), dbSNP rs147975326, ClinGen allele CA5397444.